The following is an entry in ClinVar:

ClinVar aggregate classification (germline): Uncertain significance (1 of 4 stars; one submission).

Allele frequency attached by ClinVar (database versions not stated): gnomAD exomes below 0.00001 and 0.00001.
gnomAD v4.1: 16 of 1,613,218 alleles (0.00099%); highest among the groups gnomAD compares: Non-Finnish European, 0.0011%; no homozygotes.

Submission:

Labcorp Genetics (formerly Invitae), Labcorp
Classification: Uncertain significance. Last evaluated: 2021-09-17. Review status: criteria provided, single submitter. Criteria: Invitae Variant Classification Sherloc (09022015). Collection method: clinical testing. Allele origin: germline.
Comment: This sequence change replaces glycine with alanine at codon 737 of the PCDH15 protein (p.Gly737Ala). The glycine residue is highly conserved and there is a small physicochemical difference between glycine and alanine. This variant is not present in population databases (ExAC no frequency). This variant has not been reported in the literature in individuals affected with PCDH15-related conditions. Algorithms developed to predict the effect of missense changes on protein structure and function are either unavailable or do not agree on the potential impact of this missense change (SIFT: "Deleterious"; PolyPhen-2: "Possibly Damaging"; Align-GVGD: "Class C0"). In summary, the available evidence is currently insufficient to determine the role of this variant in disease. Therefore, it has been classified as a Variant of Uncertain Significance.

NM_001384140.1(PCDH15):c.2210G>C (p.Gly737Ala)

Gene: PCDH15 (protocadherin related 15; minus strand). Cytogenetic location: 10q21.1.
Variant type: single nucleotide variant.
Coding change: c.2210G>C on transcript NM_001384140.1 (MANE Select); coding-DNA position 2210, G replaced by C.
Protein change: p.Gly737Ala; replaces glycine 737 with alanine.
Molecular consequence: missense variant.
Genome position (GRCh38, 1-based): chr10:54,066,767, C>G on the plus strand (G>C on the coding strand, the complement: PCDH15 is on the minus strand). VCF-style: chr10-54066767-C-G. GRCh37 (hg19) VCF-style: chr10-55826527-C-G.
Other names: c.2225G>C, p.Gly742Ala (NM_001142763.2, NM_001142771.2); c.2210G>C, p.Gly737Ala (NM_001142764.2, NM_001142766.2, NM_001142770.3 and 5 more transcripts); c.1997G>C, p.Gly666Ala (NM_001142765.2); c.2099G>C, p.Gly700Ala (NM_001142767.2); c.2144G>C, p.Gly715Ala (NM_001142768.2, NM_001142773.2, NM_001354404.2); c.2246G>C, p.Gly749Ala (NM_001142769.4); c.2231G>C, p.Gly744Ala (NM_001354411.2); short protein forms G737A, G700A, G744A, G666A, G715A, G742A, G749A.
Identifiers: ClinVar variation 1486579 (VCV001486579.5), dbSNP rs902984656, ClinGen allele CA207181936.